The following is an entry in ClinVar:

NM_001370100.5(ZMYND11):c.439-3T>C

Gene: ZMYND11 (zinc finger MYND-type containing 11; plus strand). Cytogenetic location: 10p15.3.
Variant type: single nucleotide variant.
Coding change: c.439-3T>C on transcript NM_001370100.5 (MANE Select); 3 bases into the intron before coding-DNA position 439, T replaced by C.
Molecular consequence: intron variant.
Genome position (GRCh38, 1-based): chr10:236,835, T>C. VCF-style: chr10-236835-T-C. GRCh37 (hg19) VCF-style: chr10-282775-T-C.
Other names: c.277-3T>C (NM_001370103.2, NM_001370104.2, NM_001370105.2 and 11 more transcripts); c.439-3T>C (NM_006624.7, NM_001370119.2, NM_001370098.2 and 10 more transcripts); c.319-3T>C (NM_001370118.2); c.388-3T>C (NM_001330057.3, NM_001370112.2); c.373-3T>C (NM_001370116.2); c.211-3T>C (NM_001370120.2); c.-33-3T>C (NM_001370124.3); c.226-3T>C (NM_001370123.2); and 1 more.
Identifiers: ClinVar variation 2807434 (VCV002807434.3), dbSNP rs768713467, ClinGen allele CA5378920.

ClinVar aggregate classification (germline): Uncertain significance (1 of 4 stars; one submission).

Allele frequency attached by ClinVar (database versions not stated): gnomAD exomes 0.00001; ExAC 0.00002.
gnomAD v4.1: 4 of 1,608,790 alleles (0.00025%); highest among the groups gnomAD compares: Non-Finnish European, 0.00034%; no homozygotes.

Submission:

Labcorp Genetics (formerly Invitae), Labcorp
Classification: Uncertain significance. Last evaluated: 2025-08-31. Review status: criteria provided, single submitter. Criteria: Invitae Variant Classification Sherloc (09022015). Collection method: clinical testing. Allele origin: germline.
Comment: This sequence change falls in intron 4 of the ZMYND11 gene. It does not directly change the encoded amino acid sequence of the ZMYND11 protein. It affects a nucleotide within the consensus splice site. This variant is present in population databases (rs768713467, gnomAD 0.002%). This variant has not been reported in the literature in individuals affected with ZMYND11-related conditions. ClinVar contains an entry for this variant (Variation ID: 2807434). Variants that disrupt the consensus splice site are a relatively common cause of aberrant splicing (PMID: 17576681, 9536098). Algorithms developed to predict the effect of sequence changes on RNA splicing suggest that this variant is not likely to affect RNA splicing. In summary, the available evidence is currently insufficient to determine the role of this variant in disease. Therefore, it has been classified as a Variant of Uncertain Significance.

Literature cited by the submitters: PubMed 17576681; PubMed 9536098.